The following is an entry in ClinVar:

NM_001130438.3(SPTAN1):c.7160+27G>A

Gene: SPTAN1 (spectrin alpha, non-erythrocytic 1; plus strand). Cytogenetic location: 9q34.11.
Variant type: single nucleotide variant.
Coding change: c.7160+27G>A on transcript NM_001130438.3 (MANE Select); 27 bases into the intron after coding-DNA position 7160, G replaced by A.
Molecular consequence: intron variant.
Genome position (GRCh38, 1-based): chr9:128,632,745, G>A. VCF-style: chr9-128632745-G-A. GRCh37 (hg19) VCF-style: chr9-131395024-G-A.
Other names: c.7223+27G>A (NM_001363759.2); c.7145+27G>A (NM_003127.4); c.7100+27G>A (NM_001363765.2); c.7085+27G>A (NM_001195532.2).
Identifiers: ClinVar variation 675218 (VCV000675218.2), dbSNP rs143392181, ClinGen allele CA5266020.

ClinVar aggregate classification (germline): Likely benign. Review status: criteria provided, multiple submitters, no conflicts (2 of 4 stars). 2 submissions from 2 submitters: Likely benign (2). Last evaluated 2018-06-14.

Allele frequency attached by ClinVar (database versions not stated): gnomAD exomes 0.00044 and 0.00100; ExAC 0.00111; ESP Exome Variant Server 0.00308; gnomAD 0.00349 and 0.00367; TOPMed 0.00407; 1000 Genomes Project 0.00539; 1000 Genomes Project 30x 0.00562.

Submissions (2):

GeneDx
Classification: Likely benign. Last evaluated: 2018-06-14. Review status: criteria provided, single submitter. Criteria: GeneDx Variant Classification (06012015). Collection method: clinical testing. Allele origin: germline. Affected: yes.
Comment: This variant is considered likely benign or benign based on one or more of the following criteria: it is a conservative change, it occurs at a poorly conserved position in the protein, it is predicted to be benign by multiple in silico algorithms, and/or has population frequency not consistent with disease.

Breakthrough Genomics
Classification: Likely benign. Review status: criteria provided, single submitter. Criteria: ACMG Guidelines, 2015. Collection method: not provided. Allele origin: germline. Inheritance: Autosomal dominant inheritance. Affected: yes.